The following is an entry in ClinVar:

ClinVar aggregate classification (germline): Likely benign (1 of 4 stars; one submission).

Conditions:
ANKS6-related disorder. Also called: ANKS6-related condition.

Submission:

PreventionGenetics, part of Exact Sciences
Classification: Likely benign for ANKS6-related condition. Last evaluated: 2026-06-22. Review status: criteria provided, single submitter. Criteria: ACMG Guidelines, 2015. Collection method: clinical testing. Allele origin: germline.
Comment: This variant is classified as likely benign based on ACMG/AMP sequence variant interpretation guidelines (Richards et al. 2015 PMID: 25741868, with internal and published modifications).

NM_173551.5(ANKS6):c.359+5G>A

Gene: ANKS6 (ankyrin repeat and sterile alpha motif domain containing 6; minus strand). Cytogenetic location: 9q22.33.
Variant type: single nucleotide variant.
Coding change: c.359+5G>A on transcript NM_173551.5 (MANE Select); 5 bases into the intron after coding-DNA position 359, G replaced by A.
Molecular consequence: intron variant.
Genome position (GRCh38, 1-based): chr9:98,796,128, C>T on the plus strand (G>A on the coding strand, the complement: ANKS6 is on the minus strand). VCF-style: chr9-98796128-C-T. GRCh37 (hg19) VCF-style: chr9-101558410-C-T.
Identifiers: ClinVar variation 4986910 (VCV004986910.1).